The following is an entry in ClinVar:

NM_000548.5(TSC2):c.2305G>A (p.Val769Met)

Gene: TSC2 (TSC complex subunit 2; plus strand). Cytogenetic location: 16p13.3.
Variant type: single nucleotide variant.
Coding change: c.2305G>A on transcript NM_000548.5 (MANE Select); coding-DNA position 2305, G replaced by A.
Protein change: p.Val769Met; replaces valine 769 with methionine.
Molecular consequence: missense variant. On other transcripts: non-coding transcript variant (5).
Genome position (GRCh38, 1-based): chr16:2,072,933, G>A. VCF-style: chr16-2072933-G-A. GRCh37 (hg19) VCF-style: chr16-2122934-G-A.
Other names: c.1705G>A, p.Val569Met (NM_001406686.1, NM_001406687.1, NM_001406688.1 and 6 more transcripts); c.961G>A, p.Val321Met (NM_001406689.1, NM_001406690.1, NM_001406693.1 and 6 more transcripts); c.2305G>A, p.Val769Met (NM_001077183.3, NM_001114382.3, NM_001363528.2 and 6 more transcripts); c.2194G>A, p.Val732Met (NM_001318827.2, NM_001406670.1, NM_001406678.1); c.2158G>A, p.Val720Met (NM_001318829.2, NM_001406675.1, NM_001406676.1 and 1 more transcripts); c.2338G>A, p.Val780Met (NM_001318832.2); c.2395G>A, p.Val799Met (NM_001406667.1, NM_001406668.1); c.2293G>A, p.Val765Met (NM_001406671.1, NM_001406673.1); and 3 more; short protein forms V321M, V615M, V235M, V720M, V765M, V799M, V732M, V769M.
Identifiers: ClinVar variation 3672714 (VCV003672714.2).

ClinVar aggregate classification (germline): Uncertain significance (1 of 4 stars; one submission).

Conditions:
Tuberous sclerosis 2 (TSC2). Identifiers: Orphanet 805, MedGen C1860707, MONDO:0013199, OMIM 613254.

Submission:

Labcorp Genetics (formerly Invitae), Labcorp
Classification: Uncertain significance for Tuberous sclerosis 2. Last evaluated: 2024-12-22. Review status: criteria provided, single submitter. Criteria: Invitae Variant Classification Sherloc (09022015). Collection method: clinical testing. Allele origin: germline.
Comment: This sequence change replaces valine, which is neutral and non-polar, with methionine, which is neutral and non-polar, at codon 769 of the TSC2 protein (p.Val769Met). This variant is not present in population databases (gnomAD no frequency). This variant has not been reported in the literature in individuals affected with TSC2-related conditions. Invitae Evidence Modeling of protein sequence and biophysical properties (such as structural, functional, and spatial information, amino acid conservation, physicochemical variation, residue mobility, and thermodynamic stability) indicates that this missense variant is not expected to disrupt TSC2 protein function with a negative predictive value of 95%. This variant disrupts the p.Val769 amino acid residue in TSC2. Other variant(s) that disrupt this residue have been determined to be pathogenic (PMID: 10570911, 11741832, 15483652). This suggests that this residue is clinically significant, and that variants that disrupt this residue are likely to be disease-causing. In summary, the available evidence is currently insufficient to determine the role of this variant in disease. Therefore, it has been classified as a Variant of Uncertain Significance.

Literature cited by the submitters: PubMed 10570911; PubMed 11741832; PubMed 15483652.